The following is an entry in ClinVar:

NM_001042492.3(NF1):c.4920A>C (p.Glu1640Asp)

Gene: NF1 (neurofibromin 1; plus strand). Cytogenetic location: 17q11.2.
Variant type: single nucleotide variant.
Coding change: c.4920A>C on transcript NM_001042492.3 (MANE Select); coding-DNA position 4920, A replaced by C.
Protein change: p.Glu1640Asp; replaces glutamic acid 1640 with aspartic acid.
Molecular consequence: missense variant.
Genome position (GRCh38, 1-based): chr17:31,325,904, A>C. VCF-style: chr17-31325904-A-C. GRCh37 (hg19) VCF-style: chr17-29652922-A-C.
Other names: c.4857A>C, p.Glu1619Asp (NM_000267.4); short protein forms E1619D, E1640D.
Identifiers: ClinVar variation 1445733 (VCV001445733.7), dbSNP rs1443684477, ClinGen allele CA399007111.

ClinVar aggregate classification (germline): Uncertain significance. Review status: criteria provided, multiple submitters, no conflicts (2 of 4 stars). 2 submissions from 2 submitters: Uncertain significance (2). Last evaluated 2024-06-29.

Conditions:
Hereditary cancer-predisposing syndrome. Also called: Tumor predisposition; Hereditary neoplastic syndrome; Hereditary Cancer Syndrome; Neoplastic Syndromes, Hereditary. Identifiers: Orphanet 140162, MedGen C0027672, MeSH D009386, MONDO:0015356.
Cardiovascular phenotype. Identifiers: MedGen CN230736.
Neurofibromatosis, type 1 (NF1). Also called: NEUROFIBROMATOSIS, TYPE I, SOMATIC; VON RECKLINGHAUSEN DISEASE; Peripheral type neurofibromatosis; Neurofibromatosis, type I. Identifiers: Orphanet 636, MedGen C0027831, MONDO:0018975, OMIM 162200. Disease mechanism: loss of function.

Allele frequency attached by ClinVar (database versions not stated): TOPMed below 0.00001; gnomAD 0.00001.
gnomAD v4.1: 1 of 1,614,030 alleles (0.000062%); highest among the groups gnomAD compares: Non-Finnish European, 0.000085%; no homozygotes.

Submissions (2):

Ambry Genetics
Classification: Uncertain significance for Cardiovascular phenotype; Hereditary cancer-predisposing syndrome. Last evaluated: 2024-06-29. Review status: criteria provided, single submitter. Criteria: Ambry Variant Classification Scheme 2023. Collection method: clinical testing. Allele origin: germline.
Comment: The p.E1619D variant (also known as c.4857A>C), located in coding exon 36 of the NF1 gene, results from an A to C substitution at nucleotide position 4857. The glutamic acid at codon 1619 is replaced by aspartic acid, an amino acid with highly similar properties. This amino acid position is conserved. In addition, the in silico prediction for this alteration is inconclusive. Based on the available evidence, the clinical significance of this variant remains unclear.

Labcorp Genetics (formerly Invitae), Labcorp
Classification: Uncertain significance for Neurofibromatosis, type 1. Last evaluated: 2021-08-12. Review status: criteria provided, single submitter. Criteria: Invitae Variant Classification Sherloc (09022015). Collection method: clinical testing. Allele origin: germline.
Comment: This sequence change replaces glutamic acid with aspartic acid at codon 1619 of the NF1 protein (p.Glu1619Asp). The glutamic acid residue is moderately conserved and there is a small physicochemical difference between glutamic acid and aspartic acid. This variant is not present in population databases (ExAC no frequency). This variant has not been reported in the literature in individuals affected with NF1-related conditions. Advanced modeling of protein sequence and biophysical properties (such as structural, functional, and spatial information, amino acid conservation, physicochemical variation, residue mobility, and thermodynamic stability) performed at Invitae indicates that this missense variant is not expected to disrupt NF1 protein function. In summary, the available evidence is currently insufficient to determine the role of this variant in disease. Therefore, it has been classified as a Variant of Uncertain Significance.